The following is an entry in ClinVar:

ClinVar aggregate classification (germline): Uncertain significance. Review status: criteria provided, multiple submitters, no conflicts (2 of 4 stars). 2 submissions from 2 submitters: Uncertain significance (2). Last evaluated 2025-01-03.

Conditions:
Ataxia-telangiectasia syndrome (AT). Also called: Ataxia-telangiectasia; LOUIS-BAR SYNDROME; Ataxia-telangiectasia, complementation group D; AT, COMPLEMENTATION GROUP C; ATAXIA-TELANGIECTASIA, COMPLEMENTATION GROUP A; ATAXIA-TELANGIECTASIA, FRESNO VARIANT. Identifiers: Orphanet 100, MedGen C0004135, MONDO:0008840, OMIM 208900.
Hereditary cancer-predisposing syndrome. Also called: Tumor predisposition; Neoplastic Syndromes, Hereditary; Hereditary Cancer Syndrome; Hereditary neoplastic syndrome. Identifiers: Orphanet 140162, MedGen C0027672, MeSH D009386, MONDO:0015356.

Submissions (2):

Ambry Genetics
Classification: Uncertain significance for Hereditary cancer-predisposing syndrome. Last evaluated: 2025-01-03. Review status: criteria provided, single submitter. Criteria: Ambry Variant Classification Scheme 2023. Collection method: clinical testing. Allele origin: germline.
Comment: The p.L2738F variant (also known as c.8214A>C), located in coding exon 55 of the ATM gene, results from an A to C substitution at nucleotide position 8214. The leucine at codon 2738 is replaced by phenylalanine, an amino acid with highly similar properties. This alteration was detected in 1/5589 German BRCA1/2-negative probands with breast cancer (Hauke J et al. Cancer Med, 2018 Apr;7:1349-1358). This amino acid position is highly conserved in available vertebrate species. In addition, this alteration is predicted to be deleterious by in silico analysis. Based on the available evidence, the clinical significance of this variant remains unclear.

Labcorp Genetics (formerly Invitae), Labcorp
Classification: Uncertain significance for Ataxia-telangiectasia syndrome. Last evaluated: 2021-08-24. Review status: criteria provided, single submitter. Criteria: Invitae Variant Classification Sherloc (09022015). Collection method: clinical testing. Allele origin: germline.
Comment: This variant is not present in population databases (ExAC no frequency). This sequence change replaces leucine with phenylalanine at codon 2738 of the ATM protein (p.Leu2738Phe). The leucine residue is highly conserved and there is a small physicochemical difference between leucine and phenylalanine. This variant has not been reported in the literature in individuals affected with ATM-related conditions. Advanced modeling of protein sequence and biophysical properties (such as structural, functional, and spatial information, amino acid conservation, physicochemical variation, residue mobility, and thermodynamic stability) performed at Invitae indicates that this missense variant is expected to disrupt ATM protein function. In summary, the available evidence is currently insufficient to determine the role of this variant in disease. Therefore, it has been classified as a Variant of Uncertain Significance.

Literature cited by the submitters: PubMed 29522266 (cited by Ambry Genetics).

NM_000051.4(ATM):c.8214A>C (p.Leu2738Phe)

Genes: ATM (ATM serine/threonine kinase; plus strand), C11orf65 (chromosome 11 open reading frame 65; minus strand). Cytogenetic location: 11q22.3.
Variant type: single nucleotide variant.
Coding change: c.8214A>C on transcript NM_000051.4 (MANE Select); coding-DNA position 8214, A replaced by C.
Protein change: p.Leu2738Phe; replaces leucine 2738 with phenylalanine.
Molecular consequence: missense variant. On other transcripts: intron variant (2).
Genome position (GRCh38, 1-based): chr11:108,335,907, A>C. VCF-style: chr11-108335907-A-C. GRCh37 (hg19) VCF-style: chr11-108206634-A-C.
Other names: c.8214A>C, p.Leu2738Phe (NM_001351834.2); c.641-26836T>G (NM_001330368.2); c.695-615T>G (NM_001351110.2); short protein forms L2738F.
Identifiers: ClinVar variation 1367456 (VCV001367456.9), dbSNP rs2136696989, ClinGen allele CA382562591.
Genomic context (GRCh38, chr11:108,335,907, plus strand): 5'-CCGTGATGACCTGAGACAAGATGCTGTCATGCAACAGGTCTTCCAGATGTGTAATACATT[A>C]CTGCAGAGAAACACGGAAACTAGGAAGAGGAAATTAACTATCTGTACTTATAAGGTAACT-3'
Protein context (NP_000042.3, residues 2728-2748): MQQVFQMCNT[Leu2738Phe]LQRNTETRKR